The following is an entry in ClinVar:

NM_000093.5(COL5A1):c.1750G>A (p.Glu584Lys)

Gene: COL5A1 (collagen type V alpha 1 chain; plus strand). Cytogenetic location: 9q34.3.
Variant type: single nucleotide variant.
Coding change: c.1750G>A on transcript NM_000093.5 (MANE Select); coding-DNA position 1750, G replaced by A.
Protein change: p.Glu584Lys; replaces glutamic acid 584 with lysine.
Molecular consequence: missense variant.
Genome position (GRCh38, 1-based): chr9:134,753,880, G>A. VCF-style: chr9-134753880-G-A. GRCh37 (hg19) VCF-style: chr9-137645726-G-A.
Other names: c.1750G>A, p.Glu584Lys (NM_001278074.1); c.1750G>A (NM_000093.3); short protein forms E584K.
Identifiers: ClinVar variation 965850 (VCV000965850.16), dbSNP rs764609002, ClinGen allele CA5318942.

ClinVar aggregate classification (germline): Conflicting classifications of pathogenicity. Review status: criteria provided, conflicting classifications (1 of 4 stars). 3 submissions from 3 submitters: Uncertain significance (1); Benign (1); Likely benign (1). Last evaluated 2026-06-20.

Conditions:
Ehlers-Danlos syndrome, classic type, 1 (EDSCL1). Also called: Ehlers-Danlos Syndrome, Classic Type, COL5A1-Related; EDS I; EHLERS-DANLOS SYNDROME, GRAVIS TYPE; EHLERS-DANLOS SYNDROME, SEVERE CLASSIC TYPE; Ehlers-Danlos syndrome, type 1. Identifiers: MedGen C0268335, MONDO:0019567, OMIM 130000.
Familial thoracic aortic aneurysm and aortic dissection (TAAD). Also called: Thoracic aortic aneurysms and dissections. Identifiers: Orphanet 91387, MedGen C4707243, MONDO:0019625.

Allele frequency attached by ClinVar (database versions not stated): gnomAD exomes below 0.00001 and 0.00001; TOPMed below 0.00001; ExAC 0.00001; gnomAD 0.00001.
gnomAD v4.1: 10 of 1,613,342 alleles (0.00062%); highest among the groups gnomAD compares: East Asian, 0.0067%; no homozygotes.

Submissions (3):

Ambry Genetics
Classification: Uncertain significance for Familial thoracic aortic aneurysm and aortic dissection. Last evaluated: 2026-06-20. Review status: criteria provided, single submitter. Criteria: Ambry Variant Classification Scheme 2023. Collection method: clinical testing. Allele origin: germline.
Comment: The p.E584K variant (also known as c.1750G>A), located in coding exon 15 of the COL5A1 gene, results from a G to A substitution at nucleotide position 1750. The glutamic acid at codon 584 is replaced by lysine, an amino acid with similar properties. This amino acid position is conserved. In addition, the in silico prediction for this alteration is inconclusive. Based on the available evidence, the clinical significance of this variant remains unclear.

CeGaT Center for Human Genetics Tuebingen
Classification: Likely benign. Last evaluated: 2026-01-01. Review status: criteria provided, single submitter. Criteria: CeGaT Center For Human Genetics Tuebingen Variant Classification Criteria Version 2. Collection method: clinical testing. Allele origin: germline. Affected: yes. Observed: 1 variant allele.
Comment: COL5A1: BS2

Labcorp Genetics (formerly Invitae), Labcorp
Classification: Benign for Ehlers-Danlos syndrome, classic type, 1. Last evaluated: 2024-10-27. Review status: criteria provided, single submitter. Criteria: Invitae Variant Classification Sherloc (09022015). Collection method: clinical testing. Allele origin: germline.